The following is an entry in ClinVar:

ClinVar aggregate classification (germline): Uncertain significance (1 of 4 stars; one submission).

Submission:

Labcorp Genetics (formerly Invitae), Labcorp
Classification: Uncertain significance. Last evaluated: 2023-09-23. Review status: criteria provided, single submitter. Criteria: Invitae Variant Classification Sherloc (09022015). Collection method: clinical testing. Allele origin: germline.
Comment: This sequence change falls in intron 23 of the AP3D1 gene. It does not directly change the encoded amino acid sequence of the AP3D1 protein. This variant is not present in population databases (gnomAD no frequency). This variant has not been reported in the literature in individuals affected with AP3D1-related conditions. Algorithms developed to predict the effect of sequence changes on RNA splicing suggest that this variant may disrupt the consensus splice site. In summary, the available evidence is currently insufficient to determine the role of this variant in disease. Therefore, it has been classified as a Variant of Uncertain Significance.

NM_001261826.3(AP3D1):c.2680-17G>A

Gene: AP3D1 (adaptor related protein complex 3 subunit delta 1; minus strand). Cytogenetic location: 19p13.3.
Variant type: single nucleotide variant.
Coding change: c.2680-17G>A on transcript NM_001261826.3 (MANE Select); 17 bases into the intron before coding-DNA position 2680, G replaced by A.
Molecular consequence: intron variant.
Genome position (GRCh38, 1-based): chr19:2,112,984, C>T on the plus strand (G>A on the coding strand, the complement: AP3D1 is on the minus strand). VCF-style: chr19-2112984-C-T. GRCh37 (hg19) VCF-style: chr19-2112983-C-T.
Other names: c.2601+1141G>A (NM_003938.8); c.2680-53G>A (NM_001374799.1).
Identifiers: ClinVar variation 2791431 (VCV002791431.3), dbSNP rs2512142569, ClinGen allele CA2739276344.